The following is an entry in ClinVar:

NM_000257.4(MYH7):c.11C>T (p.Ser4Leu)

Gene: MYH7 (myosin heavy chain 7; minus strand). Cytogenetic location: 14q11.2.
Variant type: single nucleotide variant.
Coding change: c.11C>T on transcript NM_000257.4 (MANE Select); coding-DNA position 11, C replaced by T.
Protein change: p.Ser4Leu; replaces serine 4 with leucine.
Molecular consequence: missense variant.
Genome position (GRCh38, 1-based): chr14:23,433,722, G>A on the plus strand (C>T on the coding strand, the complement: MYH7 is on the minus strand). VCF-style: chr14-23433722-G-A. GRCh37 (hg19) VCF-style: chr14-23902931-G-A.
Other names: c.11C>T (LRG_384t1); short protein forms S4L.
Identifiers: ClinVar variation 380650 (VCV000380650.22), dbSNP rs758659692, ClinGen allele CA027806.
Genomic context (GRCh38, chr14:23,433,722, plus strand): 5'-AGCCGCTCCTTCTCTGACTTGCGCAGGTAGGGGGCGGCAGCCCCAAAGACTGCCATCTCC[G>A]AATCTCCCATGGCTGTGCCTGGAGTGAGCAGAAGCTGGCTGCCCTCCCATCTGCCCATTC-3'
Protein context (NP_000248.2, residues 1-14): MGD[Ser4Leu]EMAVFGAAAP

ClinVar aggregate classification (germline): Uncertain significance. Review status: criteria provided, multiple submitters, no conflicts (2 of 4 stars). 8 submissions from 8 submitters: Uncertain significance (8). Last evaluated 2026-05-29.

Conditions:
MYH7-related disorder. Also called: MYH7-related disorders; MYH7-related condition; MYH7-related disease.
Cardiovascular phenotype. Identifiers: MedGen CN230736.
Cardiomyopathy (CMYO). Also called: Cardiomyopathies. Identifiers: Orphanet 167848, MedGen C0878544, MONDO:0004994, HP:0001638. Inheritance: Various modes of inheritance.
Hypertrophic cardiomyopathy. Also called: HYPERTROPHIC MYOCARDIOPATHY. Identifiers: Orphanet 217569, MedGen C0007194, MeSH D002312, MONDO:0005045, HP:0001639.

Allele frequency attached by ClinVar (database versions not stated): gnomAD 0.00001 and 0.00002; ExAC 0.00002; gnomAD exomes 0.00003; TOPMed 0.00003.
gnomAD v4.1: 44 of 1,613,852 alleles (0.0027%); highest among the groups gnomAD compares: Admixed American, 0.0067%; no homozygotes.

Submissions (8):

PreventionGenetics, part of Exact Sciences
Classification: Uncertain significance for MYH7-related condition. Last evaluated: 2026-05-29. Review status: criteria provided, single submitter. Criteria: ACMG Guidelines, 2015. Collection method: clinical testing. Allele origin: germline.
Comment: The MYH7 c.11C>T variant is predicted to result in the amino acid substitution p.Ser4Leu. This variant has been reported in individuals with hypertrophic cardiomyopathy or alcoholic cardiomyopathy (Coto et al. 2012. PubMed ID: 22765922; Table S3A, Ware et al. 2018. PubMed ID: 29773157; Table S8, McGurk et al. 2023. PubMed ID: 37652022). This variant is reported in 0.0058% of alleles in individuals of Latino descent in gnomAD. At this time, the clinical significance of this variant is uncertain due to the absence of conclusive functional and genetic evidence.

Labcorp Genetics (formerly Invitae), Labcorp
Classification: Uncertain significance for Hypertrophic cardiomyopathy. Last evaluated: 2026-01-25. Review status: criteria provided, single submitter. Criteria: Invitae Variant Classification Sherloc (09022015). Collection method: clinical testing. Allele origin: germline.
Comment: This sequence change replaces serine, which is neutral and polar, with leucine, which is neutral and non-polar, at codon 4 of the MYH7 protein (p.Ser4Leu). This variant is present in population databases (rs758659692, gnomAD 0.009%). This missense change has been observed in individuals with hypertrophic cardiomyopathy (PMID: 19150014, 22765922, 25342278, 37652022). ClinVar contains an entry for this variant (Variation ID: 380650). Invitae Evidence Modeling of protein sequence and biophysical properties (such as structural, functional, and spatial information, amino acid conservation, physicochemical variation, residue mobility, and thermodynamic stability) indicates that this missense variant is not expected to disrupt MYH7 protein function with a negative predictive value of 95%. In summary, the available evidence is currently insufficient to determine the role of this variant in disease. Therefore, it has been classified as a Variant of Uncertain Significance.

Color Diagnostics, LLC DBA Color Health
Classification: Uncertain significance for Cardiomyopathy. Last evaluated: 2025-11-21. Review status: criteria provided, single submitter. Criteria: ACMG Guidelines, 2015. Collection method: clinical testing. Allele origin: germline.
Comment: This missense variant replaces serine with leucine at codon 4 of the MYH7 protein. Computational prediction is inconclusive regarding the impact of this variant on protein structure and function. To our knowledge, functional studies have not been reported for this variant. This variant has been reported in individuals affected with hypertrophic cardiomyopathy (PMID: 19150014, 22765922, 25342278, 28356264, 37652022) and in one individual affected with alcoholic cardiomyopathy (PMID: 29773157). This variant has been identified in 44/1613852 chromosomes in the general population by the Genome Aggregation Database (gnomAD). The available evidence is insufficient to determine the role of this variant in disease conclusively. Therefore, this variant is classified as a Variant of Uncertain Significance.

All of Us Research Program, National Institutes of Health
Classification: Uncertain significance for Cardiomyopathy. Last evaluated: 2024-09-23. Review status: criteria provided, single submitter. Criteria: ACMG Guidelines, 2015. Collection method: clinical testing. Allele origin: germline. Inheritance: Autosomal dominant inheritance. Observed: 11 variant alleles, 11 heterozygotes.
Comment: This missense variant replaces serine with leucine at codon 4 of the MYH7 protein. Computational prediction tools indicate that this variant's impact on protein structure and function is inconclusive. To our knowledge, functional studies have not been reported for this variant. This variant has been reported in at least two individuals affected with hypertrophic cardiomyopathy (PMID: 19150014, 22765922, 25342278, 28356264) and in one individual affected with alcoholic cardiomyopathy (PMID: 29773157). This variant has been identified in 7/250976 chromosomes in the general population by the Genome Aggregation Database (gnomAD). The available evidence is insufficient to determine the role of this variant in disease conclusively. Therefore, this variant is classified as a Variant of Uncertain Significance.

This study involves interpretation of variants in research participants for the purpose of population health screening. Participant phenotype was not available at the time of variant classification. Additional details can be found in publication PMID: 35346344, PMCID: PMC8962531

Revvity Omics, Revvity
Classification: Uncertain significance. Last evaluated: 2023-11-28. Review status: criteria provided, single submitter. Criteria: ACMG Guidelines, 2015. Collection method: clinical testing. Allele origin: germline.

Ambry Genetics
Classification: Uncertain significance for Cardiovascular phenotype. Last evaluated: 2023-11-13. Review status: criteria provided, single submitter. Criteria: Ambry Variant Classification Scheme 2023. Collection method: clinical testing. Allele origin: germline.
Comment: The p.S4L variant (also known as c.11C>T), located in coding exon 1 of the MYH7 gene, results from a C to T substitution at nucleotide position 11. The serine at codon 4 is replaced by leucine, an amino acid with dissimilar properties. This alteration has been reported in cardiomyopathy cohorts (Coto E et al. J Mol Diagn, 2012 Sep;14:518-24; G&oacute;mez J et al. Circ Cardiovasc Genet, 2017 Apr;10:; Ware JS et al. J Am Coll Cardiol, 2018 May;71:2293-2302). This alteration has also been reported in ostensibly healthy individuals (Kapplinger JD et al. J Cardiovasc Transl Res, 2014 Apr;7:347-61; Homburger JR et al. Proc Natl Acad Sci U S A, 2016 Jun;113:6701-6; Park J et al. Hum Mol Genet, 2022 Mar;31:827-837). This amino acid position is poorly conserved in available vertebrate species. In addition, the in silico prediction for this alteration is inconclusive. Since supporting evidence is limited at this time, the clinical significance of this alteration remains unclear.

GeneDx
Classification: Uncertain significance. Last evaluated: 2023-05-01. Review status: criteria provided, single submitter. Criteria: GeneDx Variant Classification Process June 2021. Collection method: clinical testing. Allele origin: germline. Affected: yes.
Comment: Identified in at least one individual with HCM (Garcia-Castro et al., 2009; Coto et al., 2012; Gomez et al., 2014); In silico analysis supports that this missense variant does not alter protein structure/function; This variant is associated with the following publications: (PMID: 24510615, 25342278, 22765922, 19150014, 34542152)

Women's Health and Genetics/Laboratory Corporation of America, LabCorp
Classification: Uncertain significance. Last evaluated: 2022-07-19. Review status: criteria provided, single submitter. Criteria: LabCorp Variant Classification Summary - May 2015. Collection method: clinical testing. Allele origin: germline.
Comment: Variant summary: MYH7 c.11C>T (p.Ser4Leu) results in a non-conservative amino acid change in the encoded protein sequence. Three of five in-silico tools predict a benign effect of the variant on protein function. The variant allele was found at a frequency of 2.8e-05 in 250976 control chromosomes. The available data on variant occurrences in the general population are insufficient to allow any conclusion about variant significance. c.11C>T has been reported in the literature in settings of multigene panel /MYH7 specific testing among cohorts of individuals with Hypertrophic Cardiomyopathy reported as having no family history of HCM and/or hypertrophy (example, Garcio-Castro_2009, Coto_2012, Gomez_2014). These report(s) do not provide unequivocal conclusions about association of the variant with Cardiomyopathy. To our knowledge, no experimental evidence demonstrating an impact on protein function has been reported. Three clinical diagnostic laboratories have submitted clinical-significance assessments for this variant to ClinVar after 2014 without evidence for independent evaluation. All laboratories classified the variant as uncertain significance. Based on the evidence outlined above, the variant was classified as uncertain significance.

Literature cited by the submitters: PubMed 19150014 (cited by 4 submitters); PubMed 22765922 (cited by 5 submitters); PubMed 25342278 (cited by 5 submitters); PubMed 37652022 (cited by Labcorp Genetics (formerly Invitae), Labcorp and Color Diagnostics, LLC DBA Color Health); PubMed 28356264 (cited by 3 submitters); PubMed 29773157 (cited by 3 submitters); PubMed 24510615 (cited by Ambry Genetics); PubMed 27247418 (cited by Ambry Genetics); PubMed 34542152 (cited by Ambry Genetics).